The following is an entry in ClinVar:

NM_000138.5(FBN1):c.6806T>A (p.Ile2269Asn)

Gene: FBN1 (fibrillin 1; minus strand). Cytogenetic location: 15q21.1.
Variant type: single nucleotide variant.
Coding change: c.6806T>A on transcript NM_000138.5 (MANE Select); coding-DNA position 6806, T replaced by A.
Protein change: p.Ile2269Asn; replaces isoleucine 2269 with asparagine.
Molecular consequence: missense variant.
Genome position (GRCh38, 1-based): chr15:48,430,736, A>T on the plus strand (T>A on the coding strand, the complement: FBN1 is on the minus strand). VCF-style: chr15-48430736-A-T. GRCh37 (hg19) VCF-style: chr15-48722933-A-T.
Other names: short protein forms I2269N.
Identifiers: ClinVar variation 1216657 (VCV001216657.6), dbSNP rs193922228, ClinGen allele CA392332369.

ClinVar aggregate classification (germline): Pathogenic/Likely pathogenic. Review status: criteria provided, multiple submitters, no conflicts (2 of 4 stars). 2 submissions from 2 submitters: Pathogenic (1); Likely pathogenic (1). Last evaluated 2023-09-30.

Conditions:
Marfan syndrome (MFS). Also called: MARFAN SYNDROME, TYPE I; Marfan syndrome type 1; Marfan's syndrome; Marfan syndrome, classic; FBN1-Related Marfan Syndrome. Identifiers: Orphanet 284963, Orphanet 558, MedGen C0024796, MONDO:0007947, OMIM 154700.
Familial thoracic aortic aneurysm and aortic dissection (TAAD). Also called: Thoracic aortic aneurysms and dissections. Identifiers: Orphanet 91387, MedGen C4707243, MONDO:0019625.

Submissions (2):

Labcorp Genetics (formerly Invitae), Labcorp
Classification: Likely pathogenic for Marfan syndrome; Familial thoracic aortic aneurysm and aortic dissection. Last evaluated: 2023-09-30. Review status: criteria provided, single submitter. Criteria: Invitae Variant Classification Sherloc (09022015). Collection method: clinical testing. Allele origin: germline.
Comment: In summary, the currently available evidence indicates that the variant is pathogenic, but additional data are needed to prove that conclusively. Therefore, this variant has been classified as Likely Pathogenic. This variant disrupts the p.Ile2269 amino acid residue in FBN1. Other variant(s) that disrupt this residue have been determined to be pathogenic (PMID: 10464652, 12203992, 16342915, 18435798, 19159394, 19293843, 25907466, 27611364). This suggests that this residue is clinically significant, and that variants that disrupt this residue are likely to be disease-causing. Advanced modeling of protein sequence and biophysical properties (such as structural, functional, and spatial information, amino acid conservation, physicochemical variation, residue mobility, and thermodynamic stability) performed at Invitae indicates that this missense variant is expected to disrupt FBN1 protein function. ClinVar contains an entry for this variant (Variation ID: 1216657). This missense change has been observed in individual(s) with Marfan syndrome (Invitae). This variant is not present in population databases (gnomAD no frequency). This sequence change replaces isoleucine, which is neutral and non-polar, with asparagine, which is neutral and polar, at codon 2269 of the FBN1 protein (p.Ile2269Asn).

GeneDx
Classification: Pathogenic. Last evaluated: 2019-02-05. Review status: criteria provided, single submitter. Criteria: GeneDx Variant Classification Process June 2021. Collection method: clinical testing. Allele origin: germline. Affected: yes.
Comment: Has not been previously published as pathogenic or benign to our knowledge; Reported in ClinVar as pathogenic or likely pathogenic but additional evidence is not available (ClinVar Variant ID# 36107; Landrum et al., 2016); Not observed in large population cohorts (Lek et al., 2016); In silico analysis, which includes protein predictors and evolutionary conservation, supports a deleterious effect; Although located in a calcium-binding EGF-like domain of the FBN1 gene, it does not affect a cysteine residue within this domain; cysteine substitutions in the calcium-binding EGF-like domains represent the majority of pathogenic missense changes associated with FBN1-related disorders (Collod-Beroud et al., 2003).; This variant is associated with the following publications: (PMID: 12203992, 10464652, 18435798, 19159394)

Literature cited by the submitters: PubMed 10464652 (cited by Labcorp Genetics (formerly Invitae), Labcorp); PubMed 12203992 (cited by Labcorp Genetics (formerly Invitae), Labcorp); PubMed 16342915 (cited by Labcorp Genetics (formerly Invitae), Labcorp); PubMed 18435798 (cited by Labcorp Genetics (formerly Invitae), Labcorp); PubMed 19159394 (cited by Labcorp Genetics (formerly Invitae), Labcorp); PubMed 19293843 (cited by Labcorp Genetics (formerly Invitae), Labcorp); PubMed 25907466 (cited by Labcorp Genetics (formerly Invitae), Labcorp); PubMed 27611364 (cited by Labcorp Genetics (formerly Invitae), Labcorp).